The following is an entry in ClinVar:

ClinVar aggregate classification (germline): Uncertain significance (1 of 4 stars; one submission).

Submission:

Ambry Genetics
Classification: Uncertain significance. Last evaluated: 2026-03-17. Review status: criteria provided, single submitter. Criteria: Ambry Variant Classification Scheme 2023. Collection method: clinical testing. Allele origin: germline.
Comment: The c.3677G>A (p.R1226H) alteration is located in exon 7 (coding exon 7) of the SHROOM2 gene. This alteration results from a G to A substitution at nucleotide position 3677, causing the arginine (R) at amino acid position 1226 to be replaced by a histidine (H). Based on data from gnomAD, the A allele has an overall frequency of 0.002% (4/165521) total alleles studied. The highest observed frequency was 0.014% (1/7175) of Ashkenazi Jewish alleles. Based on insufficient or conflicting evidence, the clinical significance of this alteration remains unclear.

NM_001649.4(SHROOM2):c.3677G>A (p.Arg1226His)

Gene: SHROOM2 (shroom family member 2; plus strand). Cytogenetic location: Xp22.2.
Variant type: single nucleotide variant.
Coding change: c.3677G>A on transcript NM_001649.4 (MANE Select); coding-DNA position 3677, G replaced by A.
Protein change: p.Arg1226His; replaces arginine 1226 with histidine.
Molecular consequence: missense variant.
Genome position (GRCh38, 1-based): chrX:9,937,223, G>A. VCF-style: chrX-9937223-G-A. GRCh37 (hg19) VCF-style: chrX-9905263-G-A.
Other names: c.182G>A, p.Arg61His (NM_001320663.2, NM_001320664.2); short protein forms R1226H, R61H.
Identifiers: ClinVar variation 4864507 (VCV004864507.1).